The following is an entry in ClinVar:

NM_004260.4(RECQL4):c.1811T>C (p.Ile604Thr)

Gene: RECQL4 (RecQ like helicase 4; minus strand). Cytogenetic location: 8q24.3.
Variant type: single nucleotide variant.
Coding change: c.1811T>C on transcript NM_004260.4 (MANE Select); coding-DNA position 1811, T replaced by C.
Protein change: p.Ile604Thr; replaces isoleucine 604 with threonine.
Molecular consequence: missense variant.
Genome position (GRCh38, 1-based): chr8:144,514,256, A>G on the plus strand (T>C on the coding strand, the complement: RECQL4 is on the minus strand). VCF-style: chr8-144514256-A-G. GRCh37 (hg19) VCF-style: chr8-145739640-A-G.
Other names: c.1811T>C (NM_004260.3); short protein forms I604T.
Identifiers: ClinVar variation 1347100 (VCV001347100.7), dbSNP rs1192112207, ClinGen allele CA372680844.

ClinVar aggregate classification (germline): Uncertain significance. Review status: criteria provided, multiple submitters, no conflicts (2 of 4 stars). 2 submissions from 2 submitters: Uncertain significance (2). Last evaluated 2025-04-06.

Conditions:
Inborn genetic diseases. Identifiers: MedGen C0950123, MeSH D030342.
Baller-Gerold syndrome (BGS). Also called: CRANIOSYNOSTOSIS WITH RADIAL DEFECTS. Identifiers: Orphanet 1225, MedGen C0265308, MONDO:0009039, OMIM 218600.

Allele frequency attached by ClinVar (database versions not stated): TOPMed below 0.00001.

Submissions (2):

Ambry Genetics
Classification: Uncertain significance for Inborn genetic diseases. Last evaluated: 2025-04-06. Review status: criteria provided, single submitter. Criteria: Ambry Variant Classification Scheme 2023. Collection method: clinical testing. Allele origin: germline.
Comment: The p.I604T variant (also known as c.1811T>C), located in coding exon 11 of the RECQL4 gene, results from a T to C substitution at nucleotide position 1811. The isoleucine at codon 604 is replaced by threonine, an amino acid with similar properties. This amino acid position is conserved. In addition, this alteration is predicted to be deleterious by in silico analysis. Based on the available evidence, the clinical significance of this variant remains unclear.

Labcorp Genetics (formerly Invitae), Labcorp
Classification: Uncertain significance for Baller-Gerold syndrome. Last evaluated: 2023-10-17. Review status: criteria provided, single submitter. Criteria: Invitae Variant Classification Sherloc (09022015). Collection method: clinical testing. Allele origin: germline.
Comment: This sequence change replaces isoleucine, which is neutral and non-polar, with threonine, which is neutral and polar, at codon 604 of the RECQL4 protein (p.Ile604Thr). This variant is not present in population databases (gnomAD no frequency). This variant has not been reported in the literature in individuals affected with RECQL4-related conditions. ClinVar contains an entry for this variant (Variation ID: 1347100). Advanced modeling of protein sequence and biophysical properties (such as structural, functional, and spatial information, amino acid conservation, physicochemical variation, residue mobility, and thermodynamic stability) performed at Invitae indicates that this missense variant is expected to disrupt RECQL4 protein function. In summary, the available evidence is currently insufficient to determine the role of this variant in disease. Therefore, it has been classified as a Variant of Uncertain Significance.